The following is an entry in ClinVar:

NM_002907.4(RECQL):c.1883C>T (p.Ala628Val)

Genes: PYROXD1 (pyridine nucleotide-disulphide oxidoreductase domain 1; plus strand), RECQL (RecQ like helicase; minus strand). Cytogenetic location: 12p12.1.
Variant type: single nucleotide variant.
Coding change: c.1883C>T on transcript NM_002907.4 (MANE Select); coding-DNA position 1883, C replaced by T.
Protein change: p.Ala628Val; replaces alanine 628 with valine.
Molecular consequence: missense variant. On other transcripts: 3 prime UTR variant (3).
Genome position (GRCh38, 1-based): chr12:21,470,261, G>A on the plus strand (C>T on the coding strand, the complement: RECQL is on the minus strand). VCF-style: chr12-21470261-G-A. GRCh37 (hg19) VCF-style: chr12-21623195-G-A.
Other names: c.1883C>T, p.Ala628Val (NM_032941.3); c.*1507G>A (NM_001350912.2, NM_001350913.2, NM_024854.5); short protein forms A628V.
Identifiers: ClinVar variation 3944218 (VCV003944218.1).

ClinVar aggregate classification (germline): Uncertain significance (1 of 4 stars; one submission).

Submission:

Ambry Genetics
Classification: Uncertain significance. Last evaluated: 2025-05-08. Review status: criteria provided, single submitter. Criteria: Ambry Variant Classification Scheme 2023. Collection method: clinical testing. Allele origin: germline.
Comment: The p.A628V variant (also known as c.1883C>T), located in coding exon 14 of the RECQL gene, results from a C to T substitution at nucleotide position 1883. The alanine at codon 628 is replaced by valine, an amino acid with similar properties. This amino acid position is conserved. In addition, this alteration is predicted to be tolerated by in silico analysis. Based on the available evidence, the clinical significance of this variant remains unclear.